The following is an entry in ClinVar:

ClinVar aggregate classification (germline): not provided (0 of 4 stars; one submission).

Conditions:
Seizures, benign familial neonatal, 1. Also called: KCNQ2-Related Benign Familial Neonatal Epilepsy; Benign Neonatal Epilepsy 1; KCNQ2-Related Self-Limited Familial Neonatal Epilepsy (SLFNE); Seizures, benign neonatal, 1. Identifiers: Orphanet 1949, MedGen C3149074, MONDO:0007365, OMIM 121200.

Submission:

GeneReviews
No classification provided. Condition: Seizures, benign familial neonatal, 1. Review status: no classification provided. Collection method: literature only. Allele origin: germline. Affected: yes.
Comment: BFNE (benign familial neonatal epilepsy)

Functional effect: CHO: no current expression

Literature cited by the submitters: PubMed 24375629; NCBI Bookshelf NBK32534.

NM_172107.4(KCNQ2):c.1195_1196del (p.Lys398_Ser399insTer)

Gene: KCNQ2 (potassium voltage-gated channel subfamily Q member 2; minus strand). Cytogenetic location: 20q13.33.
Variant type: Microsatellite.
Coding change: c.1195_1196del on transcript NM_172107.4 (MANE Select); coding-DNA positions 1195 to 1196, 2 bases deleted (AG; older notation c.1195_1196delAG).
Protein change: p.Lys398_Ser399insTer.
Molecular consequence: nonsense.
Genome position (GRCh38, 1-based): chr20:63,428,388-63,428,389, CT deleted on the plus strand (AG on the coding strand, the reverse complement: KCNQ2 is on the minus strand); deleting any 2 consecutive bases within chr20:63,428,388-63,428,391 gives the same sequence; the c. name uses the placement nearest the transcript's 3' end. VCF-style (leftmost placement, unchanged base first): chr20-63428387-ACT-A. GRCh37 (hg19) VCF-style: chr20-62059740-ACT-A.
Other names: c.1195_1196del, p.Lys398_Ser399insTer (NM_001382235.1, NM_172106.3, NM_172108.5); c.1165_1166del, p.Lys388_Ser389insTer (NM_004518.6).
Identifiers: ClinVar variation 369788 (VCV000369788.2), dbSNP rs1057516114, ClinGen allele CA10654792.